The following is an entry in ClinVar:

ClinVar aggregate classification (germline): Conflicting classifications of pathogenicity. Review status: criteria provided, conflicting classifications (1 of 4 stars). 3 submissions from 3 submitters: Uncertain significance (2); Likely benign (1). Last evaluated 2025-12-03.

Conditions:
Lynch syndrome. Identifiers: Orphanet 144, MedGen C4552100, MONDO:0005835. Disease mechanism: loss of function.
Hereditary nonpolyposis colorectal neoplasms. Identifiers: MedGen C0009405, MeSH D003123.
Hereditary cancer-predisposing syndrome. Also called: Neoplastic Syndromes, Hereditary; Tumor predisposition; Hereditary Cancer Syndrome; Hereditary neoplastic syndrome. Identifiers: Orphanet 140162, MedGen C0027672, MeSH D009386, MONDO:0015356.

Allele frequency attached by ClinVar (database versions not stated): gnomAD exomes below 0.00001; TOPMed below 0.00001.
gnomAD v4.1: 5 of 1,614,074 alleles (0.00031%); highest among the groups gnomAD compares: Non-Finnish European, 0.00042%; no homozygotes.

Submissions (3):

Ambry Genetics
Classification: Uncertain significance for Hereditary cancer-predisposing syndrome. Last evaluated: 2025-12-03. Review status: criteria provided, single submitter. Criteria: Ambry Variant Classification Scheme 2023. Collection method: clinical testing. Allele origin: germline.
Comment: The p.A159T variant (also known as c.475G>A), located in coding exon 3 of the MSH6 gene, results from a G to A substitution at nucleotide position 475. The alanine at codon 159 is replaced by threonine, an amino acid with similar properties. This amino acid position is well conserved in available vertebrate species. In addition, this alteration is predicted to be tolerated by in silico analysis. Based on the available evidence, the clinical significance of this variant remains unclear.

Labcorp Genetics (formerly Invitae), Labcorp
Classification: Uncertain significance for Hereditary nonpolyposis colorectal neoplasms. Last evaluated: 2023-01-26. Review status: criteria provided, single submitter. Criteria: Invitae Variant Classification Sherloc (09022015). Collection method: clinical testing. Allele origin: germline.
Comment: ClinVar contains an entry for this variant (Variation ID: 483841). This variant has not been reported in the literature in individuals affected with MSH6-related conditions. This variant is not present in population databases (gnomAD no frequency). This sequence change replaces alanine, which is neutral and non-polar, with threonine, which is neutral and polar, at codon 159 of the MSH6 protein (p.Ala159Thr). In summary, the available evidence is currently insufficient to determine the role of this variant in disease. Therefore, it has been classified as a Variant of Uncertain Significance. Advanced modeling of protein sequence and biophysical properties (such as structural, functional, and spatial information, amino acid conservation, physicochemical variation, residue mobility, and thermodynamic stability) performed at Invitae indicates that this missense variant is not expected to disrupt MSH6 protein function.

University of Washington Department of Laboratory Medicine, University of Washington
Classification: Likely benign for Lynch syndrome. Last evaluated: 2018-05-01. Review status: criteria provided, single submitter. Criteria: Shirts BH et al. (Am J Hum Genet 2018). Collection method: clinical testing. Allele origin: somatic. Affected: yes.
Comment: MSH6 NM_000179.2:c.475G>A has a 1.8% probability of pathogenicity based on combining prior probability from public data with a likelihood ratio of 0.16 to 1, generated from evidence of seeing this as a somatic mutation in a tumor with loss of heterozygosity at the MSH6 locus. See Shirts et al 2018, PMID 29887214.

NM_000179.3(MSH6):c.475G>A (p.Ala159Thr)

Gene: MSH6 (mutS homolog 6; plus strand). Cytogenetic location: 2p16.3.
Variant type: single nucleotide variant.
Coding change: c.475G>A on transcript NM_000179.3 (MANE Select); coding-DNA position 475, G replaced by A.
Protein change: p.Ala159Thr; replaces alanine 159 with threonine.
Molecular consequence: missense variant. On other transcripts: 5 prime UTR variant (1), intron variant (2).
Genome position (GRCh38, 1-based): chr2:47,795,911, G>A. VCF-style: chr2-47795911-G-A. GRCh37 (hg19) VCF-style: chr2-48023050-G-A.
Other names: c.-428G>A (NM_001281494.2); c.-279-2700G>A (NM_001281493.2); c.238-2700G>A (NM_001281492.2); short protein forms A159T.
Identifiers: ClinVar variation 483841 (VCV000483841.15), dbSNP rs1553411396, ClinGen allele CA346738592.